The following is an entry in ClinVar:

ClinVar aggregate classification (germline): Uncertain significance. Review status: criteria provided, multiple submitters, no conflicts (2 of 4 stars). 3 submissions from 3 submitters: Uncertain significance (3). Last evaluated 2025-06-25.

Conditions:
HYPERHOMOCYSTEINEMIA, THROMBOTIC, CBS-RELATED. Identifiers: MedGen C3150344, OMIM 236200.
Familial thoracic aortic aneurysm and aortic dissection (TAAD). Also called: Thoracic aortic aneurysms and dissections. Identifiers: Orphanet 91387, MedGen C4707243, MONDO:0019625.

Allele frequency attached by ClinVar (database versions not stated): ExAC 0.00001; 1000 Genomes Project 0.00020.

Submissions (3):

GeneDx
Classification: Uncertain significance. Last evaluated: 2025-06-25. Review status: criteria provided, single submitter. Criteria: GeneDx Variant Classification Process June 2021. Collection method: clinical testing. Allele origin: germline.
Comment: Not observed at significant frequency in large population cohorts (gnomAD); In silico analysis indicates that this missense variant does not alter protein structure/function; Has not been previously published as pathogenic or benign to our knowledge

Ambry Genetics
Classification: Uncertain significance for Familial thoracic aortic aneurysm and aortic dissection. Last evaluated: 2025-01-10. Review status: criteria provided, single submitter. Criteria: Ambry Variant Classification Scheme 2023. Collection method: clinical testing. Allele origin: germline.
Comment: The p.E62K variant (also known as c.184G>A), located in coding exon 1 of the CBS gene, results from a G to A substitution at nucleotide position 184. The glutamic acid at codon 62 is replaced by lysine, an amino acid with similar properties. This amino acid position is poorly conserved in available vertebrate species. In addition, the in silico prediction for this alteration is inconclusive. Based on the available evidence, the clinical significance of this variant remains unclear.

Labcorp Genetics (formerly Invitae), Labcorp
Classification: Uncertain significance for HYPERHOMOCYSTEINEMIA, THROMBOTIC, CBS-RELATED. Last evaluated: 2022-11-01. Review status: criteria provided, single submitter. Criteria: Invitae Variant Classification Sherloc (09022015). Collection method: clinical testing. Allele origin: germline.
Comment: This sequence change replaces glutamic acid, which is acidic and polar, with lysine, which is basic and polar, at codon 62 of the CBS protein (p.Glu62Lys). This variant is present in population databases (rs199507134, gnomAD 0.008%). This variant has not been reported in the literature in individuals affected with CBS-related conditions. Algorithms developed to predict the effect of missense changes on protein structure and function (SIFT, PolyPhen-2, Align-GVGD) all suggest that this variant is likely to be tolerated. In summary, the available evidence is currently insufficient to determine the role of this variant in disease. Therefore, it has been classified as a Variant of Uncertain Significance.

NM_000071.3(CBS):c.184G>A (p.Glu62Lys)

Gene: CBS (cystathionine beta-synthase; minus strand). Cytogenetic location: 21q22.3.
Variant type: single nucleotide variant.
Coding change: c.184G>A on transcript NM_000071.3 (MANE Select); coding-DNA position 184, G replaced by A.
Protein change: p.Glu62Lys; replaces glutamic acid 62 with lysine.
Molecular consequence: missense variant.
Genome position (GRCh38, 1-based): chr21:43,072,010, C>T on the plus strand (G>A on the coding strand, the complement: CBS is on the minus strand). VCF-style: chr21-43072010-C-T. GRCh37 (hg19) VCF-style: chr21-44492120-C-T.
Other names: c.184G>A, p.Glu62Lys (NM_001178008.3, NM_001178009.3, NM_001320298.2); short protein forms E62K.
Identifiers: ClinVar variation 2052759 (VCV002052759.4), dbSNP rs199507134, ClinGen allele CA321103764.